The following is an entry in ClinVar:

NM_144687.4(NLRP12):c.46dup (p.Tyr16fs)

Gene: NLRP12 (NLR family pyrin domain containing 12; minus strand). Cytogenetic location: 19q13.42.
Variant type: Duplication.
Coding change: c.46dup on transcript NM_144687.4 (MANE Select); coding-DNA position 46, one base duplicated (T; older notation c.46dupT).
Protein change: p.Tyr16fs; shifts the reading frame from tyrosine 16.
Molecular consequence: frameshift variant.
Genome position (GRCh38, 1-based): chr19:53,824,129, A duplicated on the plus strand (T on the coding strand, the reverse complement: NLRP12 is on the minus strand). VCF-style (leftmost placement, unchanged base first): chr19-53824128-T-TA. GRCh37 (hg19) VCF-style: chr19-54327382-T-TA.
Other names: c.46dup, p.Tyr16fs (NM_001277126.2, NM_001277129.1); c.46dupT (NM_144687.3); short protein forms Y16fs.
Identifiers: ClinVar variation 636652 (VCV000636652.9), dbSNP rs1599879570, ClinGen allele CA508854940.

ClinVar aggregate classification (germline): Conflicting classifications of pathogenicity. Review status: criteria provided, conflicting classifications (1 of 4 stars). 4 submissions from 4 submitters: Likely pathogenic (1); Uncertain significance (3). Last evaluated 2023-05-16.

Conditions:
NLRP12-related disorder. Also called: NLRP12-related conditions; NLRP12-related condition.
Familial cold autoinflammatory syndrome 2 (FCAS2). Identifiers: Orphanet 247868, MedGen C2673198, MONDO:0012724, OMIM 611762.

Allele frequency attached by ClinVar (database versions not stated): gnomAD exomes below 0.00001.

Submissions (4):

Women's Health and Genetics/Laboratory Corporation of America, LabCorp
Classification: Uncertain significance. Last evaluated: 2023-05-16. Review status: criteria provided, single submitter. Criteria: LabCorp Variant Classification Summary - May 2015. Collection method: clinical testing. Allele origin: germline.
Comment: Variant summary: NLRP12 c.46dupT (p.Tyr16LeufsX63) results in a premature termination codon, predicted to cause a truncation of the encoded protein or absence of the protein due to nonsense mediated decay. Loss-of-function variants are not well-established as a mechanism of disease in Familial Cold Autoinflammatory Syndrome 2, and variants downstream of this position have not been classified as pathogenic by our laboratory. The variant was absent in 251322 control chromosomes. The available data on variant occurrences in the general population are insufficient to allow any conclusion about variant significance. To our knowledge, no occurrence of c.46dupT in individuals affected with Familial Cold Autoinflammatory Syndrome 2 and no experimental evidence demonstrating its impact on protein function have been reported. Two clinical diagnostic laboratories have submitted clinical-significance assessments for this variant to ClinVar after 2014 without evidence for independent evaluation. One laboratory classified the variant as likely pathogenic, and one classified it as uncertain significance. Based on the evidence outlined above, the variant was classified as uncertain significance.

PreventionGenetics, part of Exact Sciences
Classification: Uncertain significance for NLRP12-related condition. Last evaluated: 2023-03-12. Review status: criteria provided, single submitter. Criteria: ACMG Guidelines, 2015. Collection method: clinical testing. Allele origin: germline.
Comment: The NLRP12 c.46dupT variant is predicted to result in a frameshift and premature protein termination (p.Tyr16Leufs*63). To our knowledge, this variant has not been reported in the literature or in a large population database, indicating this variant is rare. Although frameshift variants in NLRP12 are expected to be pathogenic nearly all occur downstream of this variant. Although we suspect that this variant may be pathogenic, at this time, the clinical significance of this variant is uncertain due to the absence of conclusive functional and genetic evidence.

Revvity Omics, Revvity
Classification: Likely pathogenic for Familial cold autoinflammatory syndrome 2. Last evaluated: 2021-03-30. Review status: criteria provided, single submitter. Criteria: ACMG Guidelines, 2015. Collection method: clinical testing. Allele origin: germline.

Blueprint Genetics
Classification: Uncertain significance. Last evaluated: 2019-12-19. Review status: criteria provided, single submitter. Criteria: ACMG Guidelines, 2015. Collection method: clinical testing. Allele origin: germline.